The following is an entry in ClinVar:

NM_003072.5(SMARCA4):c.695C>G (p.Pro232Arg)

Gene: SMARCA4 (SWI/SNF related BAF chromatin remodeling complex subunit ATPase 4; plus strand). Cytogenetic location: 19p13.2.
Variant type: single nucleotide variant.
Coding change: c.695C>G on transcript NM_003072.5 (MANE Select); coding-DNA position 695, C replaced by G.
Protein change: p.Pro232Arg; replaces proline 232 with arginine.
Molecular consequence: missense variant. On other transcripts: non-coding transcript variant (1).
Genome position (GRCh38, 1-based): chr19:10,986,528, C>G. VCF-style: chr19-10986528-C-G. GRCh37 (hg19) VCF-style: chr19-11097204-C-G.
Other names: c.695C>G, p.Pro232Arg (NM_001128844.3, NM_001128845.2, NM_001128846.2 and 4 more transcripts); short protein forms P232R.
Identifiers: ClinVar variation 1004475 (VCV001004475.8), dbSNP rs1314009255, ClinGen allele CA404057043.

ClinVar aggregate classification (germline): Uncertain significance (1 of 4 stars; one submission).

Conditions:
Rhabdoid tumor predisposition syndrome 2 (RTPS2). Identifiers: Orphanet 231108, Orphanet 69077, MedGen C2750074, MONDO:0013224, OMIM 613325.

Submission:

Labcorp Genetics (formerly Invitae), Labcorp
Classification: Uncertain significance for Rhabdoid tumor predisposition syndrome 2. Last evaluated: 2020-09-02. Review status: criteria provided, single submitter. Criteria: Invitae Variant Classification Sherloc (09022015). Collection method: clinical testing. Allele origin: germline.
Comment: This sequence change replaces proline with arginine at codon 232 of the SMARCA4 protein (p.Pro232Arg). The proline residue is highly conserved and there is a moderate physicochemical difference between proline and arginine. In summary, the available evidence is currently insufficient to determine the role of this variant in disease. Therefore, it has been classified as a Variant of Uncertain Significance. Algorithms developed to predict the effect of missense changes on protein structure and function are either unavailable or do not agree on the potential impact of this missense change (SIFT: "Deleterious"; PolyPhen-2: "Benign"; Align-GVGD: "Class C0"). This variant has not been reported in the literature in individuals with SMARCA4-related conditions. The frequency data for this variant in the population databases is considered unreliable, as metrics indicate insufficient coverage at this position in the ExAC database.